The following is an entry in ClinVar:

ClinVar aggregate classification (germline): Uncertain significance (1 of 4 stars; one submission).

Conditions:
Malignant hyperthermia, susceptibility to, 1 (MHS1). Also called: Anesthesia related hyperthermia; Malignant hyperpyrexia; Fulminating hyperpyrexia; Pharmacogenic myopathy; Malignant hyperthermia suceptibility 1; RYR1-Related Malignant Hyperthermia Susceptibility. Identifiers: Orphanet 423, MedGen C2930980, MONDO:0007783, OMIM 145600.

Submission:

All of Us Research Program, National Institutes of Health
Classification: Uncertain significance for Malignant hyperthermia, susceptibility to, 1. Last evaluated: 2024-09-23. Review status: criteria provided, single submitter. Criteria: ACMG Guidelines, 2015. Collection method: clinical testing. Allele origin: germline. Inheritance: Autosomal dominant inheritance. Observed: 1 variant allele, 1 heterozygote.
Comment: This study involves interpretation of variants in research participants for the purpose of population health screening. Participant phenotype was not available at the time of variant classification. Additional details can be found in publication PMID: 35346344, PMCID: PMC8962531

NM_000540.3(RYR1):c.10366C>G (p.Gln3456Glu)

Gene: RYR1 (ryanodine receptor 1; plus strand). Cytogenetic location: 19q13.2.
Variant type: single nucleotide variant.
Coding change: c.10366C>G on transcript NM_000540.3 (MANE Select); coding-DNA position 10366, C replaced by G.
Protein change: p.Gln3456Glu; replaces glutamine 3456 with glutamic acid.
Molecular consequence: missense variant.
Genome position (GRCh38, 1-based): chr19:38,523,235, C>G. VCF-style: chr19-38523235-C-G. GRCh37 (hg19) VCF-style: chr19-39013875-C-G.
Other names: c.10366C>G, p.Gln3456Glu (NM_001042723.2); short protein forms Q3456E.
Identifiers: ClinVar variation 3385528 (VCV003385528.1).